The following is an entry in ClinVar:

ClinVar aggregate classification (germline): Uncertain significance (1 of 4 stars; one submission).

Allele frequency attached by ClinVar (database versions not stated): TOPMed below 0.00001.

Submission:

Labcorp Genetics (formerly Invitae), Labcorp
Classification: Uncertain significance. Last evaluated: 2023-09-04. Review status: criteria provided, single submitter. Criteria: Invitae Variant Classification Sherloc (09022015). Collection method: clinical testing. Allele origin: germline.
Comment: In summary, the available evidence is currently insufficient to determine the role of this variant in disease. Therefore, it has been classified as a Variant of Uncertain Significance. Advanced modeling of protein sequence and biophysical properties (such as structural, functional, and spatial information, amino acid conservation, physicochemical variation, residue mobility, and thermodynamic stability) performed at Invitae indicates that this missense variant is not expected to disrupt PACS2 protein function. This variant has not been reported in the literature in individuals affected with PACS2-related conditions. This variant is not present in population databases (gnomAD no frequency). This sequence change replaces asparagine, which is neutral and polar, with serine, which is neutral and polar, at codon 456 of the PACS2 protein (p.Asn456Ser).

NM_001100913.3(PACS2):c.1367A>G (p.Asn456Ser)

Gene: PACS2 (phosphofurin acidic cluster sorting protein 2; plus strand). Cytogenetic location: 14q32.33.
Variant type: single nucleotide variant.
Coding change: c.1367A>G on transcript NM_001100913.3 (MANE Select); coding-DNA position 1367, A replaced by G.
Protein change: p.Asn456Ser; replaces asparagine 456 with serine.
Molecular consequence: missense variant.
Genome position (GRCh38, 1-based): chr14:105,382,012, A>G. VCF-style: chr14-105382012-A-G. GRCh37 (hg19) VCF-style: chr14-105848349-A-G.
Other names: c.1142A>G, p.Asn381Ser (NM_001243127.3); c.1367A>G, p.Asn456Ser (NM_015197.4); short protein forms N381S, N456S.
Identifiers: ClinVar variation 2757960 (VCV002757960.3), dbSNP rs2081011459, ClinGen allele CA391181800.